The following is an entry in ClinVar:

ClinVar aggregate classification (germline): Uncertain significance. Review status: criteria provided, multiple submitters, no conflicts (2 of 4 stars). 3 submissions from 3 submitters: Uncertain significance (3). Last evaluated 2024-10-11.

Conditions:
Inborn genetic diseases. Identifiers: MedGen C0950123, MeSH D030342.
Intellectual disability, CASK-related, X-linked. Identifiers: MedGen CN043158.

Allele frequency attached by ClinVar (database versions not stated): gnomAD exomes below 0.00001.
gnomAD v4.1: 1 of 1,205,149 alleles (0.000083%); highest among the groups gnomAD compares: South Asian, 0.0018%; no homozygotes.

Submissions (3):

GeneDx
Classification: Uncertain significance. Last evaluated: 2024-10-11. Review status: criteria provided, single submitter. Criteria: GeneDx Variant Classification Process June 2021. Collection method: clinical testing. Allele origin: germline. Affected: yes.
Comment: Not observed at significant frequency in large population cohorts (gnomAD); In silico analysis indicates that this missense variant does not alter protein structure/function; Has not been previously published as pathogenic or benign to our knowledge

Labcorp Genetics (formerly Invitae), Labcorp
Classification: Uncertain significance for Intellectual disability, CASK-related, X-linked. Last evaluated: 2022-03-18. Review status: criteria provided, single submitter. Criteria: Invitae Variant Classification Sherloc (09022015). Collection method: clinical testing. Allele origin: germline.
Comment: This sequence change replaces asparagine, which is neutral and polar, with serine, which is neutral and polar, at codon 31 of the CASK protein (p.Asn31Ser). This variant is not present in population databases (gnomAD no frequency). This variant has not been reported in the literature in individuals affected with CASK-related conditions. Algorithms developed to predict the effect of missense changes on protein structure and function are either unavailable or do not agree on the potential impact of this missense change (SIFT: "Deleterious"; PolyPhen-2: "Benign"; Align-GVGD: "Class C0"). In summary, the available evidence is currently insufficient to determine the role of this variant in disease. Therefore, it has been classified as a Variant of Uncertain Significance.

Ambry Genetics
Classification: Uncertain significance for Inborn genetic diseases. Last evaluated: 2019-08-02. Review status: criteria provided, single submitter. Criteria: Ambry Variant Classification Scheme 2023. Collection method: clinical testing. Allele origin: germline.
Comment: The p.N31S variant (also known as c.92A>G), located in coding exon 2 of the CASK gene, results from an A to G substitution at nucleotide position 92. The asparagine at codon 31 is replaced by serine, an amino acid with highly similar properties. This amino acid position is highly conserved in available vertebrate species. In addition, this alteration is predicted to be tolerated by in silico analysis. Since supporting evidence is limited at this time, the clinical significance of this alteration remains unclear.

NM_001367721.1(CASK):c.92A>G (p.Asn31Ser)

Gene: CASK (calcium/calmodulin dependent serine protein kinase; minus strand). Cytogenetic location: Xp11.4.
Variant type: single nucleotide variant.
Coding change: c.92A>G on transcript NM_001367721.1 (MANE Select); coding-DNA position 92, A replaced by G.
Protein change: p.Asn31Ser; replaces asparagine 31 with serine.
Molecular consequence: missense variant.
Genome position (GRCh38, 1-based): chrX:41,853,195, T>C on the plus strand (A>G on the coding strand, the complement: CASK is on the minus strand). VCF-style: chrX-41853195-T-C. GRCh37 (hg19) VCF-style: chrX-41712448-T-C.
Other names: c.92A>G, p.Asn31Ser (NM_001126054.3, NM_001126055.3, NM_001410745.1 and 1 more transcripts); short protein forms N31S.
Identifiers: ClinVar variation 1766470 (VCV001766470.8), dbSNP rs2519892738, ClinGen allele CA413000948.